The following is an entry in ClinVar:

NM_005751.5(AKAP9):c.3932T>A (p.Met1311Lys)

Gene: AKAP9 (A-kinase anchoring protein 9; plus strand). Cytogenetic location: 7q21.2.
Variant type: single nucleotide variant.
Coding change: c.3932T>A on transcript NM_005751.5 (MANE Select); coding-DNA position 3932, T replaced by A.
Protein change: p.Met1311Lys; replaces methionine 1311 with lysine.
Molecular consequence: missense variant.
Genome position (GRCh38, 1-based): chr7:92,022,332, T>A. VCF-style: chr7-92022332-T-A. GRCh37 (hg19) VCF-style: chr7-91651646-T-A.
Other names: c.3932T>A, p.Met1311Lys (NM_147185.3); short protein forms M1311K.
Identifiers: ClinVar variation 360824 (VCV000360824.10), dbSNP rs776582090, ClinGen allele CA4336429.
Genomic context (GRCh38, chr7:92,022,332, plus strand): 5'-AATTTGGAGAAGAAAACCTTCCAAAAGAGGAAACAGAGTTTTTATCAATCCATTCTCAGA[T>A]GACCAATTTGGAAGACATTGGTAAATTTTGATCATATACCACAATGTGGTGTTTTTATAG-3'
Protein context (NP_005742.4, residues 1301-1321): ETEFLSIHSQ[Met1311Lys]TNLEDIDVNH

ClinVar aggregate classification (germline): Conflicting classifications of pathogenicity. Review status: criteria provided, conflicting classifications (1 of 4 stars). 2 submissions from 2 submitters: Uncertain significance (1); Benign (1). Last evaluated 2026-08-28.

Conditions:
Cardiovascular phenotype. Identifiers: MedGen CN230736.
Long QT syndrome (LQTS). Identifiers: MedGen C0023976, MeSH D008133, MONDO:0002442. Disease mechanism: loss of function. Inheritance: Various modes of inheritance.

Allele frequency attached by ClinVar (database versions not stated): gnomAD exomes 0.00003; gnomAD 0.00001; ExAC 0.00002; TOPMed 0.00002.

Submissions (2):

Ambry Genetics
Classification: Benign for Cardiovascular phenotype. Last evaluated: 2026-08-28. Review status: criteria provided, single submitter. Criteria: Ambry Variant Classification Scheme 2023. Collection method: clinical testing. Allele origin: germline.

Labcorp Genetics (formerly Invitae), Labcorp
Classification: Uncertain significance for Long QT syndrome. Last evaluated: 2025-09-03. Review status: criteria provided, single submitter. Criteria: Invitae Variant Classification Sherloc (09022015). Collection method: clinical testing. Allele origin: germline.
Comment: This sequence change replaces methionine, which is neutral and non-polar, with lysine, which is basic and polar, at codon 1311 of the AKAP9 protein (p.Met1311Lys). This variant is present in population databases (rs776582090, gnomAD 0.04%). This variant has not been reported in the literature in individuals affected with AKAP9-related conditions. ClinVar contains an entry for this variant (Variation ID: 360824). An algorithm developed to predict the effect of missense changes on protein structure and function (PolyPhen-2) suggests that this variant is likely to be tolerated. In summary, the available evidence is currently insufficient to determine the role of this variant in disease. Therefore, it has been classified as a Variant of Uncertain Significance.